The following is an entry in ClinVar:

ClinVar aggregate classification (germline): Uncertain significance (1 of 4 stars; one submission).

Allele frequency attached by ClinVar (database versions not stated): gnomAD exomes below 0.00001.
gnomAD v4.1: 5 of 1,572,086 alleles (0.00032%); highest among the groups gnomAD compares: Non-Finnish European, 0.00044%; no homozygotes.

Submission:

Labcorp Genetics (formerly Invitae), Labcorp
Classification: Uncertain significance. Last evaluated: 2022-06-13. Review status: criteria provided, single submitter. Criteria: Invitae Variant Classification Sherloc (09022015). Collection method: clinical testing. Allele origin: germline.
Comment: This sequence change falls in intron 5 of the EXOSC9 gene. It does not directly change the encoded amino acid sequence of the EXOSC9 protein. This variant is present in population databases (no rsID available, gnomAD no frequency). This variant has not been reported in the literature in individuals affected with EXOSC9-related conditions. Algorithms developed to predict the effect of sequence changes on RNA splicing suggest that this variant may disrupt the consensus splice site. In summary, the available evidence is currently insufficient to determine the role of this variant in disease. Therefore, it has been classified as a Variant of Uncertain Significance.

NM_005033.3(EXOSC9):c.523-5A>G

Gene: EXOSC9 (exosome component 9; plus strand). Cytogenetic location: 4q27.
Variant type: single nucleotide variant.
Coding change: c.523-5A>G on transcript NM_005033.3 (MANE Select); 5 bases into the intron before coding-DNA position 523, A replaced by G.
Molecular consequence: intron variant.
Genome position (GRCh38, 1-based): chr4:121,807,535, A>G. VCF-style: chr4-121807535-A-G. GRCh37 (hg19) VCF-style: chr4-122728690-A-G.
Other names: c.523-5A>G (NM_001034194.2).
Identifiers: ClinVar variation 1484242 (VCV001484242.5), dbSNP rs1386715456, ClinGen allele CA554178367.